The following is an entry in ClinVar:

NM_000238.4(KCNH2):c.2956C>A (p.Pro986Thr)

Gene: KCNH2 (potassium voltage-gated channel subfamily H member 2; minus strand). Cytogenetic location: 7q36.1.
Variant type: single nucleotide variant.
Coding change: c.2956C>A on transcript NM_000238.4 (MANE Select); coding-DNA position 2956, C replaced by A.
Protein change: p.Pro986Thr; replaces proline 986 with threonine.
Molecular consequence: missense variant.
Genome position (GRCh38, 1-based): chr7:150,947,615, G>T on the plus strand (C>A on the coding strand, the complement: KCNH2 is on the minus strand). VCF-style: chr7-150947615-G-T. GRCh37 (hg19) VCF-style: chr7-150644703-G-T.
Other names: c.1936C>A, p.Pro646Thr (NM_172057.3); short protein forms P646T, P986T.
Identifiers: ClinVar variation 640120 (VCV000640120.18), dbSNP rs1261949255, ClinGen allele CA369853053.

ClinVar aggregate classification (germline): Uncertain significance. Review status: criteria provided, multiple submitters, no conflicts (2 of 4 stars). 4 submissions from 4 submitters: Uncertain significance (4). Last evaluated 2023-12-13.

Conditions:
Cardiac arrhythmia. Also called: Cardiac rhythm disease; Arrhythmia. Identifiers: MedGen C0003811, MONDO:0007263, HP:0011675.
Long QT syndrome (LQTS). Identifiers: MedGen C0023976, MeSH D008133, MONDO:0002442. Disease mechanism: loss of function. Inheritance: Various modes of inheritance.
Cardiovascular phenotype. Identifiers: MedGen CN230736.

Allele frequency attached by ClinVar (database versions not stated): TOPMed 0.00001; gnomAD 0.00001.
gnomAD v4.1: 4 of 1,612,672 alleles (0.00025%); highest among the groups gnomAD compares: African/African-American, 0.0013%; no homozygotes.

Submissions (4):

All of Us Research Program, National Institutes of Health
Classification: Uncertain significance for Long QT syndrome. Last evaluated: 2023-12-13. Review status: criteria provided, single submitter. Criteria: ACMG Guidelines, 2015. Collection method: clinical testing. Allele origin: germline. Inheritance: Autosomal dominant inheritance. Observed: 2 variant alleles, 2 heterozygotes.
Comment: This missense variant replaces proline with threonine at codon 986 of the KCNH2 protein. Computational prediction suggests that this variant may not impact protein structure and function (internally defined REVEL score threshold <= 0.5, PMID: 27666373). This variant is found within a highly conserved C-terminus region (a.a. 843-1159). Rare non-truncating variants in this region have been shown to be significantly overrepresented in individuals with long QT syndrome (PMID: 32893267). To our knowledge, functional studies have not been reported for this variant. This variant has been reported in an individual affected with long QT syndrome (PMID:32893267). This variant has been identified in 1/31358 chromosomes in the general population by the Genome Aggregation Database (gnomAD). The available evidence is insufficient to determine the role of this variant in disease conclusively. Therefore, this variant is classified as a Variant of Uncertain Significance.

This study involves interpretation of variants in research participants for the purpose of population health screening. Participant phenotype was not available at the time of variant classification. Additional details can be found in publication PMID: 35346344, PMCID: PMC8962531

Color Diagnostics, LLC DBA Color Health
Classification: Uncertain significance for Cardiac arrhythmia. Last evaluated: 2023-11-16. Review status: criteria provided, single submitter. Criteria: ACMG Guidelines, 2015. Collection method: clinical testing. Allele origin: germline.
Comment: This missense variant replaces proline with threonine at codon 986 of the KCNH2 protein. Computational prediction suggests that this variant may not impact protein structure and function (internally defined REVEL score threshold <= 0.5, PMID: 27666373). This variant is found within a highly conserved C-terminus region (a.a. 843-1159). Rare non-truncating variants in this region have been shown to be significantly overrepresented in individuals with long QT syndrome (PMID: 32893267). To our knowledge, functional studies have not been reported for this variant. This variant has been reported in an individual affected with long QT syndrome (PMID:32893267). This variant has been identified in 1/31358 chromosomes in the general population by the Genome Aggregation Database (gnomAD). The available evidence is insufficient to determine the role of this variant in disease conclusively. Therefore, this variant is classified as a Variant of Uncertain Significance.

Labcorp Genetics (formerly Invitae), Labcorp
Classification: Uncertain significance for Long QT syndrome. Last evaluated: 2023-11-08. Review status: criteria provided, single submitter. Criteria: Invitae Variant Classification Sherloc (09022015). Collection method: clinical testing. Allele origin: germline.
Comment: This sequence change replaces proline, which is neutral and non-polar, with threonine, which is neutral and polar, at codon 986 of the KCNH2 protein (p.Pro986Thr). The frequency data for this variant in the population databases is considered unreliable, as metrics indicate poor data quality at this position in the gnomAD database. This variant has not been reported in the literature in individuals affected with KCNH2-related conditions. ClinVar contains an entry for this variant (Variation ID: 640120). An algorithm developed to predict the effect of missense changes on protein structure and function (PolyPhen-2) suggests that this variant is likely to be disruptive. In summary, the available evidence is currently insufficient to determine the role of this variant in disease. Therefore, it has been classified as a Variant of Uncertain Significance.

Ambry Genetics
Classification: Uncertain significance for Cardiovascular phenotype. Last evaluated: 2023-05-08. Review status: criteria provided, single submitter. Criteria: Ambry Variant Classification Scheme 2023. Collection method: clinical testing. Allele origin: germline.
Comment: The p.P986T variant (also known as c.2956C>A), located in coding exon 12 of the KCNH2 gene, results from a C to A substitution at nucleotide position 2956. The proline at codon 986 is replaced by threonine, an amino acid with highly similar properties. This alteration has been reported in a long QT syndrome cohort; however, clinical details were limited (Walsh R et al. Genet Med, 2021 Jan;23:47-58). This amino acid position is highly conserved in available vertebrate species. In addition, the in silico prediction for this alteration is inconclusive. Since supporting evidence is limited at this time, the clinical significance of this alteration remains unclear.

Literature cited by the submitters: PubMed 32893267 (cited by 3 submitters).